The following is an entry in ClinVar:

NM_001163435.3(TBCK):c.2000G>A (p.Arg667Gln)

Gene: TBCK (TBC1 domain containing kinase; minus strand). Cytogenetic location: 4q24.
Variant type: single nucleotide variant.
Coding change: c.2000G>A on transcript NM_001163435.3 (MANE Select); coding-DNA position 2000, G replaced by A.
Protein change: p.Arg667Gln; replaces arginine 667 with glutamine.
Molecular consequence: missense variant.
Genome position (GRCh38, 1-based): chr4:106,193,668, C>T on the plus strand (G>A on the coding strand, the complement: TBCK is on the minus strand). VCF-style: chr4-106193668-C-T. GRCh37 (hg19) VCF-style: chr4-107114825-C-T.
Other names: c.2000G>A, p.Arg667Gln (NM_001163436.4); c.1883G>A, p.Arg628Gln (NM_001163437.3); c.1484G>A, p.Arg495Gln (NM_001290768.2); c.1811G>A, p.Arg604Gln (NM_033115.5); short protein forms R604Q, R667Q, R628Q, R495Q.
Identifiers: ClinVar variation 1362495 (VCV001362495.6), dbSNP rs757168343, ClinGen allele CA3034835.
Genomic context (GRCh38, chr4:106,193,668, plus strand): 5'-CCTGGTAAATCGGAGAAGAGAAGAATACACTCATTAAAGCCATTAGCCAAAAGCCGGTCC[C>T]GCAGCTGCTGAAGAATTGCTACTCCAATACAGAATGGGAAAGAGGAATTCCCAAGTAGTA-3'
Protein context (NP_001156907.2, residues 657-677): CIGVAILQQL[Arg667Gln]DRLLANGFNE

ClinVar aggregate classification (germline): Uncertain significance (1 of 4 stars; one submission).

Allele frequency attached by ClinVar (database versions not stated): gnomAD exomes below 0.00001; ExAC 0.00002.

Submission:

Labcorp Genetics (formerly Invitae), Labcorp
Classification: Uncertain significance. Last evaluated: 2025-09-02. Review status: criteria provided, single submitter. Criteria: Invitae Variant Classification Sherloc (09022015). Collection method: clinical testing. Allele origin: germline.
Comment: This sequence change replaces arginine, which is basic and polar, with glutamine, which is neutral and polar, at codon 667 of the TBCK protein (p.Arg667Gln). This variant is present in population databases (rs757168343, gnomAD 0.006%). This variant has not been reported in the literature in individuals affected with TBCK-related conditions. ClinVar contains an entry for this variant (Variation ID: 1362495). Invitae Evidence Modeling of protein sequence and biophysical properties (such as structural, functional, and spatial information, amino acid conservation, physicochemical variation, residue mobility, and thermodynamic stability) indicates that this missense variant is expected to disrupt TBCK protein function with a positive predictive value of 80%. In summary, the available evidence is currently insufficient to determine the role of this variant in disease. Therefore, it has been classified as a Variant of Uncertain Significance.